The following is an entry in ClinVar:

NM_014363.6(SACS):c.563_564del (p.Gly188fs)

Gene: SACS (sacsin molecular chaperone; minus strand). Cytogenetic location: 13q12.12.
Variant type: Deletion.
Coding change: c.563_564del on transcript NM_014363.6 (MANE Select); coding-DNA positions 563 to 564, 2 bases deleted (GA; older notation c.563_564delGA).
Protein change: p.Gly188fs; shifts the reading frame from glycine 188.
Molecular consequence: frameshift variant.
Genome position (GRCh38, 1-based): chr13:23,358,375-23,358,376, TC deleted on the plus strand (GA on the coding strand, the reverse complement: SACS is on the minus strand). VCF-style (leftmost placement, unchanged base first): chr13-23358374-TTC-T. GRCh37 (hg19) VCF-style: chr13-23932513-TTC-T.
Other names: c.122_123del, p.Gly41fs (NM_001278055.2); short protein forms G188fs, G41fs.
Identifiers: ClinVar variation 1726358 (VCV001726358.2), dbSNP rs2542415349, ClinGen allele CA2580086879.

ClinVar aggregate classification (germline): Likely pathogenic (1 of 4 stars; one submission).

Conditions:
Charlevoix-Saguenay spastic ataxia (SACS). Also called: SPASTIC ATAXIA 6, AUTOSOMAL RECESSIVE; AUTOSOMAL RECESSIVE SPASTIC ATAXIA OF CHARLEVOIX-SAGUENAY; Spastic ataxia of Charlevoix-Saguenay. Identifiers: Orphanet 98, MedGen C1849140, MONDO:0010041, OMIM 270550.

Submission:

Myriad Genetics, Inc.
Classification: Likely pathogenic for Charlevoix-Saguenay spastic ataxia. Last evaluated: 2021-12-16. Review status: criteria provided, single submitter. Criteria: Myriad Women's Health Autosomal Recessive and X-Linked Classification Criteria (2021). Collection method: clinical testing. Allele origin: unknown.
Comment: NM_014363.4(SACS):c.563_564delGA(G188Efs*7) is expected to be pathogenic in the context of autosomal recessive spastic ataxia of Charlevoix-Saguenay. This variant is predicted to lead to an abnormal or absent protein product due to the creation of a premature termination codon in SACS, a gene where loss-of-function variants are known to be pathogenic. Please note: this variant was assessed in the context of healthy population screening.